The following is an entry in ClinVar:

ClinVar aggregate classification (germline): Uncertain significance. Review status: criteria provided, multiple submitters, no conflicts (2 of 4 stars). 3 submissions from 3 submitters: Uncertain significance (3). Last evaluated 2025-12-01.

Conditions:
Imerslund-Grasbeck syndrome type 1 (IGS1). Also called: Megaloblastic anemia 1, Finnish type; Imerslund-Gräsbeck syndrome 1; MEGALOBLASTIC ANEMIA, 1. Identifiers: MedGen C4016819, MONDO:0100156, OMIM 261100.
Proteinuria, chronic benign. Identifiers: MedGen C5394384, MONDO:0030042, OMIM 618884.
Imerslund-Grasbeck syndrome. Also called: ENTEROCYTE COBALAMIN MALABSORPTION; ENTEROCYTE INTRINSIC FACTOR RECEPTOR, DEFECT OF; PERNICIOUS ANEMIA, JUVENILE, DUE TO SELECTIVE INTESTINAL MALABSORPTION OF VITAMIN B12, WITH PROTEINURIA; Megaloblastic anemia due to inborn errors of metabolism; Imerslund-Gräsbeck syndrome. Identifiers: Orphanet 35858, MedGen C4551825, MONDO:0009853.

Allele frequency attached by ClinVar (database versions not stated): ExAC 0.00002; TOPMed 0.00004; gnomAD exomes 0.00006; gnomAD 0.00008.
gnomAD v4.1: 109 of 1,613,422 alleles (0.0068%); highest among the groups gnomAD compares: Non-Finnish European, 0.0085%; no homozygotes.

Submissions (3):

CeGaT Center for Human Genetics Tuebingen
Classification: Uncertain significance. Last evaluated: 2025-12-01. Review status: criteria provided, single submitter. Criteria: CeGaT Center For Human Genetics Tuebingen Variant Classification Criteria Version 2. Collection method: clinical testing. Allele origin: germline. Affected: yes. Observed: 1 variant allele.
Comment: CUBN: PM2, BP4

Fulgent Genetics
Classification: Uncertain significance for Imerslund-Grasbeck syndrome type 1; Proteinuria, chronic benign. Last evaluated: 2024-05-28. Review status: criteria provided, single submitter. Criteria: ACMG Guidelines, 2015. Collection method: clinical testing. Allele origin: germline.

Labcorp Genetics (formerly Invitae), Labcorp
Classification: Uncertain significance for Imerslund-Grasbeck syndrome. Last evaluated: 2023-12-19. Review status: criteria provided, single submitter. Criteria: Invitae Variant Classification Sherloc (09022015). Collection method: clinical testing. Allele origin: germline.
Comment: This sequence change replaces serine, which is neutral and polar, with cysteine, which is neutral and slightly polar, at codon 3366 of the CUBN protein (p.Ser3366Cys). This variant is present in population databases (rs201157846, gnomAD 0.007%). This missense change has been observed in individual(s) with clinical features of CUBN-related conditions (PMID: 31613795). ClinVar contains an entry for this variant (Variation ID: 2200589). Advanced modeling of protein sequence and biophysical properties (such as structural, functional, and spatial information, amino acid conservation, physicochemical variation, residue mobility, and thermodynamic stability) performed at Invitae indicates that this missense variant is expected to disrupt CUBN protein function with a positive predictive value of 80%. In summary, the available evidence is currently insufficient to determine the role of this variant in disease. Therefore, it has been classified as a Variant of Uncertain Significance.

Literature cited by the submitters: PubMed 31613795 (cited by Labcorp Genetics (formerly Invitae), Labcorp).

NM_001081.4(CUBN):c.10097C>G (p.Ser3366Cys)

Gene: CUBN (cubilin; minus strand). Cytogenetic location: 10p13.
Variant type: single nucleotide variant.
Coding change: c.10097C>G on transcript NM_001081.4 (MANE Select); coding-DNA position 10097, C replaced by G.
Protein change: p.Ser3366Cys; replaces serine 3366 with cysteine.
Molecular consequence: missense variant.
Genome position (GRCh38, 1-based): chr10:16,836,318, G>C on the plus strand (C>G on the coding strand, the complement: CUBN is on the minus strand). VCF-style: chr10-16836318-G-C. GRCh37 (hg19) VCF-style: chr10-16878317-G-C.
Other names: short protein forms S3366C.
Identifiers: ClinVar variation 2200589 (VCV002200589.10), dbSNP rs201157846, ClinGen allele CA5422479.